The following is an entry in ClinVar:

ClinVar aggregate classification (germline): Uncertain significance (1 of 4 stars; one submission).

Conditions:
Epileptic encephalopathy. Identifiers: MedGen C0543888, HP:0200134.

Allele frequency attached by ClinVar (database versions not stated): gnomAD exomes below 0.00001; TOPMed below 0.00001.
gnomAD v4.1: 1 of 1,611,558 alleles (0.000062%); highest among the groups gnomAD compares: East Asian, 0.0022%; no homozygotes.

Submission:

Labcorp Genetics (formerly Invitae), Labcorp
Classification: Uncertain significance for Epileptic encephalopathy. Last evaluated: 2022-10-04. Review status: criteria provided, single submitter. Criteria: Invitae Variant Classification Sherloc (09022015). Collection method: clinical testing. Allele origin: germline.
Comment: In summary, the available evidence is currently insufficient to determine the role of this variant in disease. Therefore, it has been classified as a Variant of Uncertain Significance. Algorithms developed to predict the effect of missense changes on protein structure and function output the following: SIFT: "Tolerated"; PolyPhen-2: "Benign"; Align-GVGD: "Class C0". The alanine amino acid residue is found in multiple mammalian species, which suggests that this missense change does not adversely affect protein function. This variant has not been reported in the literature in individuals affected with FASN-related conditions. This variant is not present in population databases (gnomAD no frequency). This sequence change replaces valine, which is neutral and non-polar, with alanine, which is neutral and non-polar, at codon 895 of the FASN protein (p.Val895Ala).

NM_004104.5(FASN):c.2684T>C (p.Val895Ala)

Gene: FASN (fatty acid synthase; minus strand). Cytogenetic location: 17q25.3.
Variant type: single nucleotide variant.
Coding change: c.2684T>C on transcript NM_004104.5 (MANE Select); coding-DNA position 2684, T replaced by C.
Protein change: p.Val895Ala; replaces valine 895 with alanine.
Molecular consequence: missense variant.
Genome position (GRCh38, 1-based): chr17:82,088,217, A>G on the plus strand (T>C on the coding strand, the complement: FASN is on the minus strand). VCF-style: chr17-82088217-A-G. GRCh37 (hg19) VCF-style: chr17-80046093-A-G.
Other names: short protein forms V895A.
Identifiers: ClinVar variation 1958389 (VCV001958389.5), dbSNP rs1598579409, ClinGen allele CA401555974.
Genomic context (GRCh38, chr17:82,088,217, plus strand): 5'-TCAAACACCACAGGCAGCTGCTCGACGCCCAGGCCCAGGGCGCGGGCCAGCGTCTTCCAC[A>G]CTATGCTCAGGTAGCCAGTGGCGGGGAAGAGGACGCGACCGTCGAGGGTGTGGTCCACCA-3'
Protein context (NP_004095.4, residues 885-905): LFPATGYLSI[Val895Ala]WKTLARALGL